The following is an entry in ClinVar:

NM_006939.4(SOS2):c.3149G>T (p.Gly1050Val)

Gene: SOS2 (SOS Ras/Rho guanine nucleotide exchange factor 2; minus strand). Cytogenetic location: 14q21.3.
Variant type: single nucleotide variant.
Coding change: c.3149G>T on transcript NM_006939.4 (MANE Select); coding-DNA position 3149, G replaced by T.
Protein change: p.Gly1050Val; replaces glycine 1050 with valine.
Molecular consequence: missense variant.
Genome position (GRCh38, 1-based): chr14:50,130,689, C>A on the plus strand (G>T on the coding strand, the complement: SOS2 is on the minus strand). VCF-style: chr14-50130689-C-A. GRCh37 (hg19) VCF-style: chr14-50597407-C-A.
Other names: short protein forms G1050V.
Identifiers: ClinVar variation 1462139 (VCV001462139.6), dbSNP rs1012247714, ClinGen allele CA389640887.
Genomic context (GRCh38, chr14:50,130,689, plus strand): 5'-CGACTAAAGCTTATTTTACATGGTTCTCTTTCTAATGGTGTTGGGTGACCTCGTAAAGTA[C>A]CTGAGGTAGAGCCATGTCGGCCTGTGTTAGGCCTTATTCCAGGAGATTTTAAGGAAAAAG-3'
Protein context (NP_008870.2, residues 1040-1060): PNTGRHGSTS[Gly1050Val]TLRGHPTPLE

ClinVar aggregate classification (germline): Uncertain significance (1 of 4 stars; one submission).

Conditions:
Noonan syndrome 9 (NS9). Identifiers: Orphanet 648, MedGen C4225282, MONDO:0014691, OMIM 616559.

Allele frequency attached by ClinVar (database versions not stated): gnomAD 0.00001.
gnomAD v4.1: 3 of 1,613,622 alleles (0.00019%); highest among the groups gnomAD compares: Non-Finnish European, 0.00017%; no homozygotes.

Submission:

Labcorp Genetics (formerly Invitae), Labcorp
Classification: Uncertain significance for Noonan syndrome 9. Last evaluated: 2024-05-04. Review status: criteria provided, single submitter. Criteria: Invitae Variant Classification Sherloc (09022015). Collection method: clinical testing. Allele origin: germline.
Comment: This sequence change replaces glycine, which is neutral and non-polar, with valine, which is neutral and non-polar, at codon 1050 of the SOS2 protein (p.Gly1050Val). This variant is present in population databases (no rsID available, gnomAD 0.01%). This variant has not been reported in the literature in individuals affected with SOS2-related conditions. ClinVar contains an entry for this variant (Variation ID: 1462139). Advanced modeling of protein sequence and biophysical properties (such as structural, functional, and spatial information, amino acid conservation, physicochemical variation, residue mobility, and thermodynamic stability) performed at Invitae indicates that this missense variant is not expected to disrupt SOS2 protein function with a negative predictive value of 80%. In summary, the available evidence is currently insufficient to determine the role of this variant in disease. Therefore, it has been classified as a Variant of Uncertain Significance.